The following is an entry in ClinVar:

ClinVar aggregate classification (germline): Conflicting classifications of pathogenicity. Review status: criteria provided, conflicting classifications (1 of 4 stars). 3 submissions from 2 submitters: Uncertain significance (1); Likely benign (2). Last evaluated 2021-05-22.

Conditions:
Isolated microphthalmia 2. Identifiers: Orphanet 2542, MedGen C1864720, MONDO:0012409, OMIM 610093.
Microphthalmia, isolated, with coloboma 3 (MCOPCB3). Also called: MICROPHTHALMIA/COLOBOMA 3; MICROPHTHALMIA, COLOBOMATOUS, 3. Identifiers: Orphanet 98938, MedGen C1864721, MONDO:0012408, OMIM 610092.

Allele frequency attached by ClinVar (database versions not stated): gnomAD 0.00628 and 0.00585; TOPMed 0.00655; 1000 Genomes Project 0.00779; 1000 Genomes Project 30x 0.00812.

Submissions (3):

GeneDx
Classification: Likely benign. Last evaluated: 2021-05-22. Review status: criteria provided, single submitter. Criteria: GeneDx Variant Classification Process June 2021. Collection method: clinical testing. Allele origin: germline. Affected: yes.
Comment: See Variant Classification Assertion Criteria.

Illumina Laboratory Services, Illumina
Classification: Likely benign for Isolated microphthalmia 2. Last evaluated: 2018-01-13. Review status: criteria provided, single submitter. Criteria: ICSL Variant Classification Criteria 13 December 2019. Collection method: clinical testing. Allele origin: germline.
Comment: This variant was observed in the ICSL laboratory as part of a predisposition screen in an ostensibly healthy population. It had not been previously curated by ICSL or reported in the Human Gene Mutation Database (HGMD: prior to June 1st, 2018), and was therefore a candidate for classification through an automated scoring system. Utilizing variant allele frequency, disease prevalence and penetrance estimates, and inheritance mode, an automated score was calculated to assess if this variant is too frequent to cause the disease. Based on the score and internal cut-off values, a variant classified as likely benign is not then subjected to further curation. The score for this variant resulted in a classification of likely benign for this disease.

Illumina Laboratory Services, Illumina
Classification: Uncertain significance for Microphthalmia, isolated, with coloboma 3. Last evaluated: 2018-01-13. Review status: criteria provided, single submitter. Criteria: ICSL Variant Classification Criteria 13 December 2019. Collection method: clinical testing. Allele origin: germline.

NM_182894.3(VSX2):c.*1377C>T

Gene: VSX2 (visual system homeobox 2; plus strand). Cytogenetic location: 14q24.3.
Variant type: single nucleotide variant.
Coding change: c.*1377C>T on transcript NM_182894.3 (MANE Select); 1377 bases downstream of the stop codon, C replaced by T.
Molecular consequence: 3 prime UTR variant.
Genome position (GRCh38, 1-based): chr14:74,262,296, C>T. VCF-style: chr14-74262296-C-T. GRCh37 (hg19) VCF-style: chr14-74728999-C-T.
Identifiers: ClinVar variation 314224 (VCV000314224.6), dbSNP rs150033933, ClinGen allele CA10644851.